The following is an entry in ClinVar:

NM_000156.6(GAMT):c.534dup (p.Lys179fs)

Gene: GAMT (guanidinoacetate N-methyltransferase; minus strand). Cytogenetic location: 19p13.3.
Variant type: Duplication.
Coding change: c.534dup on transcript NM_000156.6 (MANE Select); coding-DNA position 534, one base duplicated (G; older notation c.534dupG).
Protein change: p.Lys179fs; shifts the reading frame from lysine 179.
Molecular consequence: frameshift variant.
Genome position (GRCh38, 1-based): chr19:1,398,952, C duplicated on the plus strand (G on the coding strand, the reverse complement: GAMT is on the minus strand). VCF-style (leftmost placement, unchanged base first): chr19-1398951-T-TC. GRCh37 (hg19) VCF-style: chr19-1398950-T-TC.
Other names: c.534dup, p.Lys179fs (NM_138924.3); short protein forms K179fs.
Identifiers: ClinVar variation 1454825 (VCV001454825.8), dbSNP rs2144636214, ClinGen allele CA2573155787.

ClinVar aggregate classification (germline): Pathogenic (1 of 4 stars; one submission).

Conditions:
Cerebral creatine deficiency syndrome. Also called: Creatine deficiency syndromes. Identifiers: Orphanet 79172, MedGen C5244016, MONDO:0000456.

Submission:

Labcorp Genetics (formerly Invitae), Labcorp
Classification: Pathogenic for Cerebral creatine deficiency syndrome. Last evaluated: 2025-08-29. Review status: criteria provided, single submitter. Criteria: Invitae Variant Classification Sherloc (09022015). Collection method: clinical testing. Allele origin: germline.
Comment: This sequence change creates a premature translational stop signal (p.Lys179Glufs*12) in the GAMT gene. While this is not anticipated to result in nonsense mediated decay, it is expected to disrupt the last 58 amino acid(s) of the GAMT protein. This variant is not present in population databases (gnomAD no frequency). This variant has not been reported in the literature in individuals affected with GAMT-related conditions. ClinVar contains an entry for this variant (Variation ID: 1454825). This variant disrupts a region of the GAMT protein in which other variant(s) (p.Gln193*) have been determined to be pathogenic (PMID: 23234264, 31130284). This suggests that this is a clinically significant region of the protein, and that variants that disrupt it are likely to be disease-causing. For these reasons, this variant has been classified as Pathogenic.

Literature cited by the submitters: PubMed 23234264; PubMed 31130284.